The following is an entry in ClinVar:

ClinVar aggregate classification (germline): Conflicting classifications of pathogenicity. Review status: criteria provided, conflicting classifications (1 of 4 stars). 3 submissions from 3 submitters: Uncertain significance (1); Likely benign (2). Last evaluated 2025-07-27.

Conditions:
Inborn genetic diseases. Identifiers: MedGen C0950123, MeSH D030342.
Supravalvar aortic stenosis (SVAS). Also called: Supravalvar aortic stenosis, Eisenberg type. Identifiers: Orphanet 3193, MedGen C0003499, MONDO:0008504, OMIM 185500, HP:0004381.

Allele frequency attached by ClinVar (database versions not stated): gnomAD exomes 0.00002 and 0.00011; gnomAD 0.00006; TOPMed 0.00008; ExAC 0.00009; 1000 Genomes Project 0.00020; 1000 Genomes Project 30x 0.00031.
gnomAD v4.1: 36 of 1,613,838 alleles (0.0022%); highest among the groups gnomAD compares: East Asian, 0.062%; no homozygotes.

Submissions (3):

Labcorp Genetics (formerly Invitae), Labcorp
Classification: Likely benign for Supravalvar aortic stenosis. Last evaluated: 2025-07-27. Review status: criteria provided, single submitter. Criteria: Invitae Variant Classification Sherloc (09022015). Collection method: clinical testing. Allele origin: germline.

Ambry Genetics
Classification: Uncertain significance for Inborn genetic diseases. Last evaluated: 2021-08-30. Review status: criteria provided, single submitter. Criteria: Ambry Variant Classification Scheme 2023. Collection method: clinical testing. Allele origin: germline.

GeneDx
Classification: Likely benign. Last evaluated: 2018-03-27. Review status: criteria provided, single submitter. Criteria: GeneDx Variant Classification (06012015). Collection method: clinical testing. Allele origin: germline. Affected: yes.
Comment: This variant is considered likely benign or benign based on one or more of the following criteria: it is a conservative change, it occurs at a poorly conserved position in the protein, it is predicted to be benign by multiple in silico algorithms, and/or has population frequency not consistent with disease.

NM_000501.4(ELN):c.1322C>T (p.Ala441Val)

Gene: ELN (elastin; plus strand). Cytogenetic location: 7q11.23.
Variant type: single nucleotide variant.
Coding change: c.1322C>T on transcript NM_000501.4 (MANE Select); coding-DNA position 1322, C replaced by T.
Protein change: p.Ala441Val; replaces alanine 441 with valine.
Molecular consequence: missense variant.
Genome position (GRCh38, 1-based): chr7:74,056,678, C>T. VCF-style: chr7-74056678-C-T. GRCh37 (hg19) VCF-style: chr7-73471008-C-T.
Other names: c.1292C>T, p.Ala431Val (NM_001081752.3, NM_001278917.2); c.1337C>T, p.Ala446Val (NM_001081753.3, NM_001081754.3); c.1322C>T, p.Ala441Val (NM_001081755.3, NM_001278912.2, NM_001278915.2 and 1 more transcripts); c.1136C>T, p.Ala379Val (NM_001278913.2); c.1307C>T, p.Ala436Val (NM_001278914.2); c.1280C>T, p.Ala427Val (NM_001278916.2); c.1112C>T, p.Ala371Val (NM_001278918.2); short protein forms A371V, A379V, A427V, A436V, A431V, A441V, A446V.
Identifiers: ClinVar variation 681179 (VCV000681179.12), dbSNP rs200444292, ClinGen allele CA4292947.
Genomic context (GRCh38, chr7:74,056,678, plus strand): 5'-GAGGAGACCCAGGCACGGCTTCTGAGGGTCTCTTTCTTTCTCGTTTCCTTGTAGCCGAAG[C>T]TCAGGCAGCAGCTGCCGCCAAGGCTGCCAAGTACGGTAAGTGCCCCTGCCCTGCCTGTCC-3'
Protein context (NP_000492.2, residues 431-451): GVPGVGISPE[Ala441Val]QAAAAAKAAK